The following is an entry in ClinVar:

ClinVar aggregate classification (germline): Uncertain significance (1 of 4 stars; one submission).

Conditions:
CHD4-related disorder. Also called: CHD4-related condition.

Submission:

PreventionGenetics, part of Exact Sciences
Classification: Uncertain significance for CHD4-related condition. Last evaluated: 2023-02-10. Review status: criteria provided, single submitter. Criteria: ACMG Guidelines, 2015. Collection method: clinical testing. Allele origin: germline.
Comment: The CHD4 c.1310T>C variant is predicted to result in the amino acid substitution p.Val437Ala. To our knowledge, this variant has not been reported in the literature or in a large population database, indicating this variant is rare. At this time, the clinical significance of this variant is uncertain due to the absence of conclusive functional and genetic evidence.

NM_001273.5(CHD4):c.1310T>C (p.Val437Ala)

Gene: CHD4 (chromodomain helicase DNA binding protein 4; minus strand). Cytogenetic location: 12p13.31.
Variant type: single nucleotide variant.
Coding change: c.1310T>C on transcript NM_001273.5 (MANE Select); coding-DNA position 1310, T replaced by C.
Protein change: p.Val437Ala; replaces valine 437 with alanine.
Molecular consequence: missense variant.
Genome position (GRCh38, 1-based): chr12:6,599,945, A>G on the plus strand (T>C on the coding strand, the complement: CHD4 is on the minus strand). VCF-style: chr12-6599945-A-G. GRCh37 (hg19) VCF-style: chr12-6709111-A-G.
Other names: c.1289T>C, p.Val430Ala (NM_001297553.2); c.1271T>C, p.Val424Ala (NM_001363606.2); short protein forms V424A, V430A, V437A.
Identifiers: ClinVar variation 2630626 (VCV002630626.1), dbSNP rs2540410696, ClinGen allele CA383600815.